The following is an entry in ClinVar:

ClinVar aggregate classification (germline): Uncertain significance. Review status: criteria provided, multiple submitters, no conflicts (2 of 4 stars). 2 submissions from 2 submitters: Uncertain significance (2). Last evaluated 2023-10-11.

Conditions:
Freeman-Sheldon syndrome (DA2A). Also called: WHISTLING FACE-WINDMILL VANE HAND SYNDROME; CRANIOCARPOTARSAL DYSPLASIA; CRANIOCARPOTARSAL DYSTROPHY; Arthrogryposis, distal, type 2A (Freeman-Sheldon). Identifiers: Orphanet 2053, MedGen C0265224, MONDO:0008675, OMIM 193700.
Arthrogryposis, distal, type 2B3. Also called: Arthrogryposis, distal, type 2B3 (Sheldon-Hall). Identifiers: MedGen C5193098, MONDO:0032751, OMIM 618436.
Contractures, pterygia, and spondylocarpotarsal fusion syndrome 1A (CPSFS1A). Also called: Contractures, pterygia, and variable skeletal fusions syndrome 1A; MULTIPLE PTERYGIUM SYNDROME, AUTOSOMAL DOMINANT; Distal arthrogryposis type 8. Identifiers: Orphanet 65743, MedGen C1867440, MONDO:0008338, OMIM 178110.
Contractures, pterygia, and variable skeletal fusions syndrome 1B. Also called: CONTRACTURES, PTERYGIA, AND SPONDYLOCARPOTARSAL FUSION SYNDROME 1B. Identifiers: MedGen C5193114, MONDO:0020746, OMIM 618469.

Allele frequency attached by ClinVar (database versions not stated): 1000 Genomes Project 30x 0.00016; 1000 Genomes Project 0.00020.

Submissions (2):

Labcorp Genetics (formerly Invitae), Labcorp
Classification: Uncertain significance. Last evaluated: 2023-10-11. Review status: criteria provided, single submitter. Criteria: Invitae Variant Classification Sherloc (09022015). Collection method: clinical testing. Allele origin: germline.
Comment: This sequence change replaces arginine, which is basic and polar, with glycine, which is neutral and non-polar, at codon 1345 of the MYH3 protein (p.Arg1345Gly). This variant is present in population databases (rs199851477, gnomAD 0.02%). This variant has not been reported in the literature in individuals affected with MYH3-related conditions. ClinVar contains an entry for this variant (Variation ID: 1003978). Advanced modeling of protein sequence and biophysical properties (such as structural, functional, and spatial information, amino acid conservation, physicochemical variation, residue mobility, and thermodynamic stability) performed at Invitae indicates that this missense variant is not expected to disrupt MYH3 protein function. In summary, the available evidence is currently insufficient to determine the role of this variant in disease. Therefore, it has been classified as a Variant of Uncertain Significance.

Juno Genomics, Hangzhou Juno Genomics, Inc
Classification: Uncertain significance for Freeman-Sheldon syndrome; Arthrogryposis, distal, type 2B3; Contractures, pterygia, and spondylocarpotarsal fusion syndrome 1A; Contractures, pterygia, and variable skeletal fusions syndrome 1B. Review status: criteria provided, single submitter. Criteria: ACMG Guidelines, 2015. Collection method: clinical testing. Allele origin: germline.
Comment: Missense variant in a gene that has a low rate of benign missense variation.;Multiple lines of computational evidence support a deleterious effect on the gene or gene product.;Absent from controls (or at extremely low frequency if recessive) in Genome Aggregation Database.

NM_002470.4(MYH3):c.4033C>G (p.Arg1345Gly)

Gene: MYH3 (myosin heavy chain 3; minus strand). Cytogenetic location: 17p13.1.
Variant type: single nucleotide variant.
Coding change: c.4033C>G on transcript NM_002470.4 (MANE Select); coding-DNA position 4033, C replaced by G.
Protein change: p.Arg1345Gly; replaces arginine 1345 with glycine.
Molecular consequence: missense variant.
Genome position (GRCh38, 1-based): chr17:10,635,506, G>C on the plus strand (C>G on the coding strand, the complement: MYH3 is on the minus strand). VCF-style: chr17-10635506-G-C. GRCh37 (hg19) VCF-style: chr17-10538823-G-C.
Other names: short protein forms R1345G.
Identifiers: ClinVar variation 1003978 (VCV001003978.7), dbSNP rs199851477, ClinGen allele CA8392320.
Genomic context (GRCh38, chr17:10,635,506, plus strand): 5'-CCTTGGACAGCGCCCTCTGCAGCTCAGCTTTGCCTTCCTGCTCCTCCTCATACTGTTCCC[G>C]CAGCAGGTCACAGTCGTGGCGGGAGGACTGCAGGGCGTGCGCCAGGGCGTTCTTGGCCTG-3'
Protein context (NP_002461.2, residues 1335-1355): QSSRHDCDLL[Arg1345Gly]EQYEEEQEGK